The following is an entry in ClinVar:

NM_000368.5(TSC1):c.2930A>C (p.Lys977Thr)

Gene: TSC1 (TSC complex subunit 1; minus strand). Cytogenetic location: 9q34.13.
Variant type: single nucleotide variant.
Coding change: c.2930A>C on transcript NM_000368.5 (MANE Select); coding-DNA position 2930, A replaced by C.
Protein change: p.Lys977Thr; replaces lysine 977 with threonine.
Molecular consequence: missense variant.
Genome position (GRCh38, 1-based): chr9:132,897,229, T>G on the plus strand (A>C on the coding strand, the complement: TSC1 is on the minus strand). VCF-style: chr9-132897229-T-G. GRCh37 (hg19) VCF-style: chr9-135772616-T-G.
Other names: c.2927A>C, p.Lys976Thr (NM_001162426.2, NM_001406597.1, NM_001406598.1 and 2 more transcripts); c.2777A>C, p.Lys926Thr (NM_001162427.2, NM_001406610.1); c.2567A>C, p.Lys856Thr (NM_001362177.2, NM_001406614.1, NM_001406615.1 and 4 more transcripts); c.2930A>C, p.Lys977Thr (NM_001406592.1, NM_001406593.1, NM_001406594.1 and 2 more transcripts); c.2915A>C, p.Lys972Thr (NM_001406601.1, NM_001406602.1); c.2912A>C, p.Lys971Thr (NM_001406603.1, NM_001406604.1); c.2888A>C, p.Lys963Thr (NM_001406605.1, NM_001406606.1, NM_001406607.1); c.2885A>C, p.Lys962Thr (NM_001406608.1, NM_001406609.1); and 8 more; short protein forms K626T, K856T, K925T, K926T, K976T, K841T, K659T, K855T.
Identifiers: ClinVar variation 1797808 (VCV001797808.2), dbSNP rs1433723046, ClinGen allele CA375368449.

ClinVar aggregate classification (germline): Uncertain significance (1 of 4 stars; one submission).

Conditions:
Hereditary cancer-predisposing syndrome. Also called: Neoplastic Syndromes, Hereditary; Tumor predisposition; Hereditary Cancer Syndrome; Hereditary neoplastic syndrome. Identifiers: Orphanet 140162, MedGen C0027672, MeSH D009386, MONDO:0015356.

Submission:

Ambry Genetics
Classification: Uncertain significance for Hereditary cancer-predisposing syndrome. Last evaluated: 2022-09-18. Review status: criteria provided, single submitter. Criteria: Ambry Variant Classification Scheme 2023. Collection method: clinical testing. Allele origin: germline.
Comment: The p.K977T variant (also known as c.2930A>C), located in coding exon 20 of the TSC1 gene, results from an A to C substitution at nucleotide position 2930. The lysine at codon 977 is replaced by threonine, an amino acid with similar properties. This amino acid position is conserved. In addition, the in silico prediction for this alteration is inconclusive. Since supporting evidence is limited at this time, the clinical significance of this alteration remains unclear.